The following is an entry in ClinVar:

ClinVar aggregate classification (germline): Uncertain significance. Review status: criteria provided, multiple submitters, no conflicts (2 of 4 stars). 3 submissions from 3 submitters: Uncertain significance (2). 1 of the submissions does not count toward it. Last evaluated 2026-02-24.

Conditions:
Inborn genetic diseases. Identifiers: MedGen C0950123, MeSH D030342.
Severe X-linked myotubular myopathy (CNMX). Also called: Myotubular myopathy, X-linked; MYOTUBULAR MYOPATHY 1; X-linked centronuclear myopathy. Identifiers: Orphanet 596, MedGen C0410203, MONDO:0010683, OMIM 310400.

Allele frequency attached by ClinVar (database versions not stated): gnomAD exomes 0.00001 and below 0.00001; TOPMed 0.00002; ExAC 0.00001; gnomAD 0.00001.
gnomAD v4.1: 5 of 1,169,471 alleles (0.00043%); highest among the groups gnomAD compares: African/African-American, 0.0035%; no homozygotes.

Submissions (3):

Ambry Genetics
Classification: Uncertain significance for Inborn genetic diseases. Last evaluated: 2026-02-24. Review status: criteria provided, single submitter. Criteria: Ambry Variant Classification Scheme 2023. Collection method: clinical testing. Allele origin: germline.
Comment: The c.1457G>A (p.R486Q) alteration is located in exon 13 (coding exon 12) of the MTM1 gene. This alteration results from a G to A substitution at nucleotide position 1457, causing the arginine (R) at amino acid position 486 to be replaced by a glutamine (Q). Based on data from gnomAD, the A allele has an overall frequency of <0.001% (1/182495) total alleles studied. The highest observed frequency was 0.001% (1/81241) of European (non-Finnish) alleles. Based on insufficient or conflicting evidence, the clinical significance of this alteration remains unclear.

Labcorp Genetics (formerly Invitae), Labcorp
Classification: Uncertain significance for Severe X-linked myotubular myopathy. Last evaluated: 2022-02-03. Review status: criteria provided, single submitter. Criteria: Invitae Variant Classification Sherloc (09022015). Collection method: clinical testing. Allele origin: germline.
Comment: This sequence change replaces arginine, which is basic and polar, with glutamine, which is neutral and polar, at codon 486 of the MTM1 protein (p.Arg486Gln). The frequency data for this variant in the population databases is considered unreliable, as metrics indicate poor data quality at this position in the gnomAD database. This variant has not been reported in the literature in individuals affected with MTM1-related conditions. ClinVar contains an entry for this variant (Variation ID: 1005674). Algorithms developed to predict the effect of missense changes on protein structure and function are either unavailable or do not agree on the potential impact of this missense change (SIFT: "Deleterious"; PolyPhen-2: "Probably Damaging"; Align-GVGD: "Class C0"). In summary, the available evidence is currently insufficient to determine the role of this variant in disease. Therefore, it has been classified as a Variant of Uncertain Significance.

Natera, Inc.
Classification: Uncertain significance for Severe X-linked myotubular myopathy. Last evaluated: 2020-01-24. Review status: no assertion criteria provided. Collection method: clinical testing. Allele origin: germline. Not counted in ClinVar's aggregate classification.

NM_000252.3(MTM1):c.1457G>A (p.Arg486Gln)

Gene: MTM1 (myotubularin 1; plus strand). Cytogenetic location: Xq28.
Variant type: single nucleotide variant.
Coding change: c.1457G>A on transcript NM_000252.3 (MANE Select); coding-DNA position 1457, G replaced by A.
Protein change: p.Arg486Gln; replaces arginine 486 with glutamine.
Molecular consequence: missense variant.
Genome position (GRCh38, 1-based): chrX:150,660,474, G>A. VCF-style: chrX-150660474-G-A. GRCh37 (hg19) VCF-style: chrX-149828947-G-A.
Other names: c.1457G>A, p.Arg486Gln (NM_001376906.1, NM_001376908.1); c.1346G>A, p.Arg449Gln (NM_001376907.1); c.1457G>A (NM_000252.2); short protein forms R449Q, R486Q.
Identifiers: ClinVar variation 1005674 (VCV001005674.11), dbSNP rs782032230, ClinGen allele CA10539263.